The following is an entry in ClinVar:

NM_001130438.3(SPTAN1):c.2988dup (p.Leu997fs)

Gene: SPTAN1 (spectrin alpha, non-erythrocytic 1; plus strand). Cytogenetic location: 9q34.11.
Variant type: Duplication.
Coding change: c.2988dup on transcript NM_001130438.3 (MANE Select); coding-DNA position 2988, one base duplicated (A; older notation c.2988dupA).
Protein change: p.Leu997fs; shifts the reading frame from leucine 997.
Molecular consequence: frameshift variant.
Genome position (GRCh38, 1-based): chr9:128,588,925, A duplicated. VCF-style (leftmost placement, unchanged base first): chr9-128588924-T-TA. GRCh37 (hg19) VCF-style: chr9-131351203-T-TA.
Other names: c.2988dup, p.Leu997fs (NM_001195532.2, NM_001363759.2, NM_001363765.2 and 5 more transcripts); c.3024dup, p.Leu1009fs (NM_001375312.2, NM_001375318.1); c.2988dupA (NM_001130438.2); short protein forms L1009fs, L997fs.
Identifiers: ClinVar variation 1304383 (VCV001304383.3), dbSNP rs2131267665, ClinGen allele CA2573050768.
Genomic context (GRCh38, chr9:128,588,924, plus strand): 5'-ACGACTATCAGGAGAAGAGTCCCCGAGAGGTCACCATGAAGAAGGGAGATATCCTTACCT[T>TA]ACTCAACAGCACCAACAAGGCAAGGCACAGAGAGTGGCTGTGTGTTTGTTCCACGCTGGC-3'

ClinVar aggregate classification (germline): Conflicting classifications of pathogenicity. Review status: criteria provided, conflicting classifications (1 of 4 stars). 2 submissions from 2 submitters: Pathogenic (1); Uncertain significance (1). Last evaluated 2022-02-02.

Conditions:
Distal spinal muscular atrophy. Also called: Distal hereditary motor neuropathy; Distal hereditary motor neuronopathy. Identifiers: Orphanet 53739, MedGen C0393541, MONDO:0018894.

Allele frequency attached by ClinVar (database versions not stated): gnomAD exomes below 0.00001.

Submissions (2):

Victorian Clinical Genetics Services, Murdoch Childrens Research Institute
Classification: Pathogenic for Distal spinal muscular atrophy. Last evaluated: 2022-02-02. Review status: criteria provided, single submitter. Criteria: ACMG Guidelines, 2015. Collection method: clinical testing. Allele origin: germline. Inheritance: Autosomal dominant inheritance.
Comment: Based on the classification scheme VCGS_Germline_v1.3.4, this variant is classified as Pathogenic. Following criteria are met: 0103 - Dominant negative and loss of function are known mechanisms of disease in this gene and are associated with developmental and epileptic encephalopathy 5 (MIM#613477) and distal hereditary motor neuropathy (MONDO#0018894), respectively. (I) 0107 - This gene is associated with autosomal dominant disease. Variants resulting in developmental and epileptic encephalopathy 5 (MIM#613477) are mostly located within spectrin-19 and 20 repeats (PMID: 34590414). (I) 0115 - Variants in this gene are known to have variable expressivity. Intra-familial variability has been described in a single family (PMID: 32811770). (I) 0201 - Variant is predicted to cause nonsense-mediated decay (NMD) and loss of protein (premature termination codon is located at least 54 nucleotides upstream of the final exon-exon junction). (SP) 0251 - This variant is heterozygous. (I) 0301 - Variant is absent from gnomAD (both v2 and v3). (SP) 0702 - Other NMD-predicted variants comparable to the one identified in this case have strong previous evidence for pathogenicity. Several others have been reported in individuals with distal hereditary motor neuropathy or epilepsy with intellectual disability (ClinVar, PMID: 30548380, 31332438, 33578420, 34590414). (SP) 0807 - This variant has no previous evidence of pathogenicity. (I) 0905 - No published segregation evidence has been identified for this variant. (I) 1007 - No published functional evidence has been identified for this variant. (I) 1208 - Inheritance information for this variant is not currently available in this individual. (I) Legend: (SP) - Supporting pathogenic, (I) - Information, (SB) - Supporting benign

GeneDx
Classification: Uncertain significance. Last evaluated: 2018-12-03. Review status: criteria provided, single submitter. Criteria: GeneDx Variant Classification Process June 2021. Collection method: clinical testing. Allele origin: germline. Affected: yes.
Comment: Not observed in large population cohorts (Lek et al., 2016); Frameshift variant predicted to result in protein truncation or nonsense mediated decay in a gene for which loss-of-function is not a known mechanism of disease; Has not been previously published as pathogenic or benign to our knowledge

Literature cited by the submitters: PubMed 30548380 (cited by Victorian Clinical Genetics Services, Murdoch Childrens Research Institute); PubMed 31332438 (cited by Victorian Clinical Genetics Services, Murdoch Childrens Research Institute); PubMed 32811770 (cited by Victorian Clinical Genetics Services, Murdoch Childrens Research Institute); PubMed 33578420 (cited by Victorian Clinical Genetics Services, Murdoch Childrens Research Institute); PubMed 34590414 (cited by Victorian Clinical Genetics Services, Murdoch Childrens Research Institute).